The following is an entry in ClinVar:

NM_206933.4(USH2A):c.10319T>C (p.Ile3440Thr)

Gene: USH2A (usherin; minus strand). Cytogenetic location: 1q41.
Variant type: single nucleotide variant.
Coding change: c.10319T>C on transcript NM_206933.4 (MANE Select); coding-DNA position 10319, T replaced by C.
Protein change: p.Ile3440Thr; replaces isoleucine 3440 with threonine.
Molecular consequence: missense variant.
Genome position (GRCh38, 1-based): chr1:215,786,738, A>G on the plus strand (T>C on the coding strand, the complement: USH2A is on the minus strand). VCF-style: chr1-215786738-A-G. GRCh37 (hg19) VCF-style: chr1-215960080-A-G.
Other names: short protein forms I3440T.
Identifiers: ClinVar variation 1506122 (VCV001506122.3), dbSNP rs1558097475, ClinGen allele CA344839794.

ClinVar aggregate classification (germline): Uncertain significance (1 of 4 stars; one submission).

Allele frequency attached by ClinVar (database versions not stated): TOPMed 0.00003; gnomAD exomes below 0.00001; gnomAD 0.00001.
gnomAD v4.1: 6 of 1,613,892 alleles (0.00037%); highest among the groups gnomAD compares: Admixed American, 0.0017%; no homozygotes.

Submission:

Labcorp Genetics (formerly Invitae), Labcorp
Classification: Uncertain significance. Last evaluated: 2022-08-16. Review status: criteria provided, single submitter. Criteria: Invitae Variant Classification Sherloc (09022015). Collection method: clinical testing. Allele origin: germline.
Comment: This sequence change replaces isoleucine, which is neutral and non-polar, with threonine, which is neutral and polar, at codon 3440 of the USH2A protein (p.Ile3440Thr). This variant is present in population databases (no rsID available, gnomAD 0.003%). This variant has not been reported in the literature in individuals affected with USH2A-related conditions. ClinVar contains an entry for this variant (Variation ID: 1506122). Algorithms developed to predict the effect of missense changes on protein structure and function output the following: SIFT: "Tolerated"; PolyPhen-2: "Benign"; Align-GVGD: "Class C0". The threonine amino acid residue is found in multiple mammalian species, which suggests that this missense change does not adversely affect protein function. In summary, the available evidence is currently insufficient to determine the role of this variant in disease. Therefore, it has been classified as a Variant of Uncertain Significance.